The following is an entry in ClinVar:

ClinVar aggregate classification (germline): Conflicting classifications of pathogenicity. Review status: criteria provided, conflicting classifications (1 of 4 stars). 13 submissions from 12 submitters: Uncertain significance (9); Benign (1). 3 of the submissions do not count toward it. Last evaluated 2025-11-24.

Conditions:
Hereditary cancer-predisposing syndrome. Also called: Neoplastic Syndromes, Hereditary; Hereditary neoplastic syndrome; Hereditary Cancer Syndrome; Tumor predisposition. Identifiers: Orphanet 140162, MedGen C0027672, MeSH D009386, MONDO:0015356.
Cardiovascular phenotype. Identifiers: MedGen CN230736.
Neurofibromatosis, type 1 (NF1). Also called: NEUROFIBROMATOSIS, TYPE I, SOMATIC; VON RECKLINGHAUSEN DISEASE; Peripheral type neurofibromatosis; Neurofibromatosis, type I. Identifiers: Orphanet 636, MedGen C0027831, MONDO:0018975, OMIM 162200. Disease mechanism: loss of function.
Juvenile myelomonocytic leukemia (JMML). Also called: LEUKEMIA, JUVENILE MYELOMONOCYTIC, SOMATIC. Identifiers: Orphanet 86834, MedGen C0349639, MONDO:0011908, OMIM 607785, HP:0012209.

Allele frequency attached by ClinVar (database versions not stated): gnomAD exomes below 0.00001 and 0.00001; gnomAD 0.00001; TOPMed below 0.00001.
gnomAD v4.1: 16 of 1,612,122 alleles (0.00099%); highest among the groups gnomAD compares: Middle Eastern, 0.016%; 1 homozygote.

Submissions (13):

Labcorp Genetics (formerly Invitae), Labcorp
Classification: Benign for Neurofibromatosis, type 1. Last evaluated: 2025-11-24. Review status: criteria provided, single submitter. Criteria: Invitae Variant Classification Sherloc (09022015). Collection method: clinical testing. Allele origin: germline.

Quest Diagnostics Nichols Institute San Juan Capistrano
Classification: Uncertain significance. Last evaluated: 2025-08-25. Review status: criteria provided, single submitter. Criteria: Quest Diagnostics criteria. Collection method: clinical testing. Allele origin: unknown.

Baylor Genetics
Classification: Uncertain significance for Juvenile myelomonocytic leukemia. Last evaluated: 2023-10-16. Review status: criteria provided, single submitter. Criteria: ACMG Guidelines, 2015. Collection method: clinical testing. Allele origin: unknown.

Genome-Nilou Lab
Classification: Uncertain significance for Neurofibromatosis, type 1. Last evaluated: 2022-03-15. Review status: criteria provided, single submitter. Criteria: ACMG Guidelines, 2015. Collection method: clinical testing. Allele origin: germline. Affected: no.

Sema4
Classification: Uncertain significance for Hereditary cancer-predisposing syndrome. Last evaluated: 2022-03-10. Review status: criteria provided, single submitter. Criteria: Sema4 Curation Guidelines. Collection method: curation. Allele origin: germline.
Comment: The NF1 c.4750A>G (p.I1584V) variant has been reported in at least one individual with neurofibromatosis type 1 (PMID: 10712197). It was observed in 1/24654 chromosomes of the African/African American subpopulation in the large and broad cohorts of the Genome Aggregation Database (PMID: 32461654). The variant has been reported in ClinVar (Variation ID 68354). In silico predictions about the impact of the variant on protein function are inconclusive. However, functional studies showed similar to normal lipid binding ability, protein stability and protein levels (PMID: 21089070). The evidence is insufficient to meet ACMG/AMP criteria for classifying the variant as benign or pathogenic. Thus, the clinical significance of this variant is currently uncertain.

Ambry Genetics
Classification: Uncertain significance for Cardiovascular phenotype; Hereditary cancer-predisposing syndrome. Last evaluated: 2022-02-15. Review status: criteria provided, single submitter. Criteria: Ambry Variant Classification Scheme 2023. Collection method: clinical testing. Allele origin: germline.

GeneDx
Classification: Uncertain significance. Last evaluated: 2021-03-03. Review status: criteria provided, single submitter. Criteria: GeneDx Variant Classification Process June 2021. Collection method: clinical testing. Allele origin: germline. Affected: yes.
Comment: In silico analysis supports that this missense variant does not alter protein structure/function; Observed in an individual meeting diagnostic criteria for Neurofibromatosis type 1 (Fahsold 2000); Published functional studies are inconclusive: variant shown to be similar to wildtype with respect to protein expression, stability, and folding, but it was also shown to result in reduced lipid binding activity (Welti 2011); This variant is associated with the following publications: (PMID: 10712197, 21089070, 30104198)

Mendelics
Classification: Uncertain significance for Neurofibromatosis, type 1. Last evaluated: 2019-05-28. Review status: criteria provided, single submitter. Criteria: Mendelics Assertion Criteria 2017. Collection method: clinical testing. Allele origin: unknown.

Gharavi Laboratory, Columbia University
Classification: Uncertain significance. Last evaluated: 2018-09-16. Review status: criteria provided, single submitter. Criteria: ACMG Guidelines, 2015. Collection method: research. Allele origin: germline. Affected: no.

Ambry Genetics
Classification: Uncertain significance for Hereditary cancer-predisposing syndrome. Last evaluated: 2015-04-24. Review status: criteria provided, single submitter. Criteria: Ambry Autosomal Dominant and X-Linked criteria (10/2015). Collection method: clinical testing. Allele origin: germline. Observed: 1 variant allele.
Comment: The p.I1605V variant (also known as c.4813A>G), located in coding exon 36 of the NF1 gene, results from an A to G substitution at nucleotide position 4813. The isoleucine at codon 1605 is replaced by valine, an amino acid with highly similar properties. This alteration has been identified in 1 of 500 individuals with neurofibromatosis type 1 (Fahsold R, et al. Am. J. Hum. Genet. 2000 Mar; 66(3):790-818). However, in one study evaluating functional and structural elements of alterations located within the lipid binding SEC14 domain, this alteration was found to have lipid binding ability, protein stability levels, and structure all comparable to wild type (Welti S, et al. Hum. Mutat. 2011 Feb; 32(2):191-7). This variant was previously reported in the SNPDatabase as rs199474766, but was absent from population-based cohorts in the NHLBI Exome Sequencing Project (ESP) and 1000 Genomes Project databases. To date, this alteration has been detected with an allele frequency of approximately 0.002% (greater than 55000 alleles tested) in our clinical cohort. Based on protein sequence alignment, this amino acid position is highly conserved through mammals, but valine is the reference amino acid in available lower vertebrates. In addition, the in silico prediction for this alteration is inconclusive. Since supporting evidence is limited at this time, the clinical significance of p.I1605V remains unclear.

Clinical Genetics DNA and cytogenetics Diagnostics Lab, Erasmus MC, Erasmus Medical Center
Classification: Benign. Review status: no assertion criteria provided. Collection method: clinical testing. Allele origin: germline. Affected: yes. Study: VKGL Data-share Consensus. Not counted in ClinVar's aggregate classification.

Laboratory of Diagnostic Genome Analysis, Leiden University Medical Center (LUMC)
Classification: Likely benign. Review status: no assertion criteria provided. Collection method: clinical testing. Allele origin: germline. Affected: yes. Study: VKGL Data-share Consensus. Not counted in ClinVar's aggregate classification.

UniProtKB/Swiss-Prot
No classification provided. Review status: no classification provided. Collection method: not provided. Allele origin: not provided. Not counted in ClinVar's aggregate classification.

Literature cited by the submitters: PubMed 10712197 (cited by Sema4 and Ambry Genetics); PubMed 21089070 (cited by Sema4 and Ambry Genetics).

NM_001042492.3(NF1):c.4813A>G (p.Ile1605Val)

Gene: NF1 (neurofibromin 1; plus strand). Cytogenetic location: 17q11.2.
Variant type: single nucleotide variant.
Coding change: c.4813A>G on transcript NM_001042492.3 (MANE Select); coding-DNA position 4813, A replaced by G.
Protein change: p.Ile1605Val; replaces isoleucine 1605 with valine.
Molecular consequence: missense variant.
Genome position (GRCh38, 1-based): chr17:31,265,317, A>G. VCF-style: chr17-31265317-A-G. GRCh37 (hg19) VCF-style: chr17-29592335-A-G.
Other names: c.4750A>G, p.Ile1584Val (NM_000267.4); short protein forms I1584V, I1605V.
Identifiers: ClinVar variation 68354 (VCV000068354.23), dbSNP rs199474766, ClinGen allele CA219599.